The following is an entry in ClinVar:

NM_001048174.2(MUTYH):c.775dup (p.Ala259fs)

Gene: MUTYH (mutY DNA glycosylase; minus strand). Cytogenetic location: 1p34.1.
Variant type: Duplication.
Coding change: c.775dup on transcript NM_001048174.2 (MANE Select); coding-DNA position 775, one base duplicated (G; older notation c.775dupG).
Protein change: p.Ala259fs; shifts the reading frame from alanine 259.
Molecular consequence: frameshift variant. On other transcripts: non-coding transcript variant (2).
Genome position (GRCh38, 1-based): chr1:45,332,240, C duplicated on the plus strand (G on the coding strand, the reverse complement: MUTYH is on the minus strand); the first of 4 consecutive C bases (chr1:45,332,240-45,332,243); duplicating any one gives the same sequence. VCF-style (leftmost placement, unchanged base first): chr1-45332239-G-GC. GRCh37 (hg19) VCF-style: chr1-45797911-G-GC.
Other names: c.775dup, p.Ala259fs (NM_001048171.2, NM_001048173.2, NM_001293195.2); c.778dup, p.Ala260fs (NM_001048172.2); c.859dup, p.Ala287fs (NM_001128425.2); c.820dup, p.Ala274fs (NM_001293190.2); c.808dup, p.Ala270fs (NM_001293191.2); c.499dup, p.Ala167fs (NM_001293192.2, NM_001293196.2); c.430dup, p.Ala144fs (NM_001350650.2, NM_001350651.2); c.850dup, p.Ala284fs (NM_012222.3); and 1 more; short protein forms A144fs, A167fs, A259fs, A260fs, A270fs, A274fs, A284fs, A287fs.
Identifiers: ClinVar variation 1069525 (VCV001069525.8), dbSNP rs761468459, ClinGen allele CA2499214762.

ClinVar aggregate classification (germline): Pathogenic. Review status: criteria provided, multiple submitters, no conflicts (2 of 4 stars). 2 submissions from 2 submitters: Pathogenic (2). Last evaluated 2025-02-26.

Conditions:
Hereditary cancer-predisposing syndrome. Also called: Neoplastic Syndromes, Hereditary; Hereditary Cancer Syndrome; Hereditary neoplastic syndrome; Tumor predisposition. Identifiers: Orphanet 140162, MedGen C0027672, MeSH D009386, MONDO:0015356.
Familial adenomatous polyposis 2. Also called: Adenomas, multiple colorectal; MUTYH Polyposis; COLORECTAL ADENOMATOUS POLYPOSIS, AUTOSOMAL RECESSIVE; ADENOMAS, MULTIPLE COLORECTAL, AUTOSOMAL RECESSIVE; FAP type 2; MUTYH-associated polyposis. Identifiers: Orphanet 220460, Orphanet 247798, MedGen C3272841, MONDO:0012041, OMIM 608456.

Submissions (2):

Ambry Genetics
Classification: Pathogenic for Hereditary cancer-predisposing syndrome. Last evaluated: 2025-02-26. Review status: criteria provided, single submitter. Criteria: Ambry Variant Classification Scheme 2023. Collection method: clinical testing. Allele origin: germline.
Comment: The c.859dupG pathogenic mutation, located in coding exon 10 of the MUTYH gene, results from a duplication of G at nucleotide position 859, causing a translational frameshift with a predicted alternate stop codon (p.A287Gfs*42). This variant is considered to be rare based on population cohorts in the Genome Aggregation Database (gnomAD). This alteration is expected to result in loss of function by premature protein truncation or nonsense-mediated mRNA decay. As such, this alteration is interpreted as a disease-causing mutation.

Labcorp Genetics (formerly Invitae), Labcorp
Classification: Pathogenic for Familial adenomatous polyposis 2. Last evaluated: 2023-03-29. Review status: criteria provided, single submitter. Criteria: Invitae Variant Classification Sherloc (09022015). Collection method: clinical testing. Allele origin: germline.
Comment: This variant is not present in population databases (gnomAD no frequency). This sequence change creates a premature translational stop signal (p.Ala287Glyfs*42) in the MUTYH gene. It is expected to result in an absent or disrupted protein product. Loss-of-function variants in MUTYH are known to be pathogenic (PMID: 18534194, 20663686). This variant has not been reported in the literature in individuals affected with MUTYH-related conditions. For these reasons, this variant has been classified as Pathogenic. ClinVar contains an entry for this variant (Variation ID: 1069525).

Literature cited by the submitters: PubMed 18534194 (cited by Labcorp Genetics (formerly Invitae), Labcorp); PubMed 20663686 (cited by Labcorp Genetics (formerly Invitae), Labcorp).